The following is an entry in ClinVar:

NM_003978.5(PSTPIP1):c.1110T>A (p.Tyr370Ter)

Gene: PSTPIP1 (proline-serine-threonine phosphatase interacting protein 1; plus strand). Cytogenetic location: 15q24.3.
Variant type: single nucleotide variant.
Coding change: c.1110T>A on transcript NM_003978.5 (MANE Select); coding-DNA position 1110, T replaced by A.
Protein change: p.Tyr370Ter; replaces tyrosine 370 with a stop codon.
Molecular consequence: nonsense. On other transcripts: non-coding transcript variant (1).
Genome position (GRCh38, 1-based): chr15:77,035,926, T>A. VCF-style: chr15-77035926-T-A. GRCh37 (hg19) VCF-style: chr15-77328267-T-A.
Other names: c.1053T>A, p.Tyr351Ter (NM_001321135.2); c.1083T>A, p.Tyr361Ter (NM_001321136.2); c.1305T>A, p.Tyr435Ter (NM_001321137.1); short protein forms Y351*, Y370*, Y361*, Y435*.
Identifiers: ClinVar variation 850113 (VCV000850113.7), dbSNP rs762667938, ClinGen allele CA7676165.

ClinVar aggregate classification (germline): Uncertain significance (1 of 4 stars; one submission).

Conditions:
Pyogenic arthritis-pyoderma gangrenosum-acne syndrome (PAPA). Also called: PAPA SYNDROME; FAMILIAL RECURRENT ARTHRITIS. Identifiers: Orphanet 69126, MedGen C1858361, MONDO:0011462, OMIM 604416.

gnomAD v4.1: 9 of 1,603,640 alleles (0.00056%); highest among the groups gnomAD compares: Non-Finnish European, 0.00076%; no homozygotes.

Submission:

Labcorp Genetics (formerly Invitae), Labcorp
Classification: Uncertain significance for Pyogenic arthritis-pyoderma gangrenosum-acne syndrome. Last evaluated: 2025-08-31. Review status: criteria provided, single submitter. Criteria: Invitae Variant Classification Sherloc (09022015). Collection method: clinical testing. Allele origin: germline.
Comment: This sequence change creates a premature translational stop signal (p.Tyr370*) in the PSTPIP1 gene. While this is not anticipated to result in nonsense mediated decay, it is expected to disrupt the last 47 amino acid(s) of the PSTPIP1 protein. This variant is present in population databases (rs762667938, gnomAD 0.005%). This variant has not been reported in the literature in individuals affected with PSTPIP1-related conditions. ClinVar contains an entry for this variant (Variation ID: 850113). Experimental studies and prediction algorithms are not available or were not evaluated, and the functional significance of this variant is currently unknown. In summary, the available evidence is currently insufficient to determine the role of this variant in disease. Therefore, it has been classified as a Variant of Uncertain Significance.